The following is an entry in ClinVar:

ClinVar aggregate classification (germline): Conflicting classifications of pathogenicity. Review status: criteria provided, conflicting classifications (1 of 4 stars). 8 submissions from 8 submitters: Uncertain significance (6); Likely benign (2). Last evaluated 2024-10-29.

Conditions:
CRPPA-related disorder.
Autosomal recessive limb-girdle muscular dystrophy type 2U. Also called: Muscular dystrophy-dystroglycanopathy (limb-girdle), type c, 7; MUSCULAR DYSTROPHY, LIMB-GIRDLE, TYPE 2U. Identifiers: Orphanet 352479, MedGen C5190987, MONDO:0014474, OMIM 616052.
Muscular dystrophy-dystroglycanopathy (congenital with brain and eye anomalies), type A, 7. Also called: WALKER-WARBURG SYNDROME OR MUSCLE-EYE-BRAIN DISEASE, ISPD-RELATED; Congenital muscular dystrophy-dystroglycanopathy with brain and eye anomalies, type A7. Identifiers: Orphanet 899, MedGen C3553330, MONDO:0013835, OMIM 614643.

Allele frequency attached by ClinVar (database versions not stated): gnomAD exomes 0.00005 and 0.00015; ExAC 0.00012; 1000 Genomes Project 0.00020; 1000 Genomes Project 30x 0.00031; gnomAD 0.00058 and 0.00068; ESP Exome Variant Server 0.00068; TOPMed 0.00074.
gnomAD v4.1: 169 of 1,602,254 alleles (0.011%); highest among the groups gnomAD compares: African/African-American, 0.2%; no homozygotes.

Submissions (8):

PreventionGenetics, part of Exact Sciences
Classification: Likely benign for CRPPA-related condition. Last evaluated: 2024-10-29. Review status: criteria provided, single submitter. Criteria: ACMG Guidelines, 2015. Collection method: clinical testing. Allele origin: germline.
Comment: This variant is classified as likely benign based on ACMG/AMP sequence variant interpretation guidelines (Richards et al. 2015 PMID: 25741868, with internal and published modifications).

Blueprint Genetics
Classification: Likely benign. Last evaluated: 2022-11-29. Review status: criteria provided, single submitter. Criteria: ACMG Guidelines, 2015. Collection method: clinical testing. Allele origin: germline.

Mayo Clinic Laboratories, Mayo Clinic
Classification: Uncertain significance. Last evaluated: 2022-09-02. Review status: criteria provided, single submitter. Criteria: ACMG Guidelines, 2015. Collection method: clinical testing. Allele origin: germline. Observed: 1 variant allele.

Labcorp Genetics (formerly Invitae), Labcorp
Classification: Uncertain significance for Muscular dystrophy-dystroglycanopathy (congenital with brain and eye anomalies), type A, 7; Autosomal recessive limb-girdle muscular dystrophy type 2U. Last evaluated: 2022-08-09. Review status: criteria provided, single submitter. Criteria: Invitae Variant Classification Sherloc (09022015). Collection method: clinical testing. Allele origin: germline.
Comment: This sequence change replaces isoleucine, which is neutral and non-polar, with methionine, which is neutral and non-polar, at codon 406 of the ISPD protein (p.Ile406Met). This variant is present in population databases (rs202011820, gnomAD 0.2%). This missense change has been observed in individual(s) with muscular dystrophy (PMID: 29382405). ClinVar contains an entry for this variant (Variation ID: 429621). Algorithms developed to predict the effect of missense changes on protein structure and function are either unavailable or do not agree on the potential impact of this missense change (SIFT: "Deleterious"; PolyPhen-2: "Probably Damaging"; Align-GVGD: "Class C0"). In summary, the available evidence is currently insufficient to determine the role of this variant in disease. Therefore, it has been classified as a Variant of Uncertain Significance.

Revvity Omics, Revvity
Classification: Uncertain significance. Last evaluated: 2020-01-30. Review status: criteria provided, single submitter. Criteria: ACMG Guidelines, 2015. Collection method: clinical testing. Allele origin: germline.

Athena Diagnostics
Classification: Uncertain significance. Last evaluated: 2018-12-03. Review status: criteria provided, single submitter. Criteria: Athena Diagnostics Criteria. Collection method: clinical testing. Allele origin: germline.

Eurofins Ntd Llc (ga)
Classification: Uncertain significance. Last evaluated: 2018-06-11. Review status: criteria provided, single submitter. Criteria: EGL ClinVar v180209 classification definitions. Collection method: clinical testing. Allele origin: germline. Observed: 4 variant alleles, 4 heterozygotes.

GeneDx
Classification: Uncertain significance. Last evaluated: 2016-12-08. Review status: criteria provided, single submitter. Criteria: GeneDx Variant Classification (06012015). Collection method: clinical testing. Allele origin: germline. Affected: yes.
Comment: The I406M variant has not been published as a pathogenic variant, nor has it been reported as a benign variant to our knowledge. The I406M variant is observed in 14/9632 (0.15%) alleles from individuals of African background (Lek et al., 2016; 1000 Genomes Consortium et al., 2015; Exome Variant Server)]. This variant is a conservative amino acid substitution, which is not likely to impact secondary protein structure as these residues share similar properties. This substitution occurs at a position where amino acids with similar properties to Isoleucine are tolerated across species. In silico analysis is inconsistent in its predictions as to whether or not the variant is damaging to the protein structure/function.

Literature cited by the submitters: PubMed 29382405 (cited by Mayo Clinic Laboratories, Mayo Clinic and Labcorp Genetics (formerly Invitae), Labcorp).

NM_001101426.4(CRPPA):c.1218T>G (p.Ile406Met)

Genes: CRPPA (CDP-L-ribitol pyrophosphorylase A; minus strand), CRPPA-AS1 (CRPPA antisense RNA 1; plus strand). Cytogenetic location: 7p21.2.
Variant type: single nucleotide variant.
Coding change: c.1218T>G on transcript NM_001101426.4 (MANE Select); coding-DNA position 1218, T replaced by G.
Protein change: p.Ile406Met; replaces isoleucine 406 with methionine.
Molecular consequence: missense variant. On other transcripts: non-coding transcript variant (1).
Genome position (GRCh38, 1-based): chr7:16,216,099, A>C on the plus strand (T>G on the coding strand, the complement: CRPPA is on the minus strand). VCF-style: chr7-16216099-A-C. GRCh37 (hg19) VCF-style: chr7-16255724-A-C.
Other names: p.Ile406Met; c.1068T>G, p.Ile356Met (NM_001101417.4); c.1113T>G, p.Ile371Met (NM_001368197.1); short protein forms I406M, I356M, I371M.
Identifiers: ClinVar variation 429621 (VCV000429621.19), dbSNP rs202011820, ClinGen allele CA4169353.